The following is an entry in ClinVar:

NM_001792.5(CDH2):c.638A>G (p.Asn213Ser)

Gene: CDH2 (cadherin 2; minus strand). Cytogenetic location: 18q12.1.
Variant type: single nucleotide variant.
Coding change: c.638A>G on transcript NM_001792.5 (MANE Select); coding-DNA position 638, A replaced by G.
Protein change: p.Asn213Ser; replaces asparagine 213 with serine.
Molecular consequence: missense variant.
Genome position (GRCh38, 1-based): chr18:28,009,781, T>C on the plus strand (A>G on the coding strand, the complement: CDH2 is on the minus strand). VCF-style: chr18-28009781-T-C. GRCh37 (hg19) VCF-style: chr18-25589745-T-C.
Other names: p.Asn213Ser; c.638A>G (NM_001792.3); c.545A>G, p.Asn182Ser (NM_001308176.2); short protein forms N182S, N213S.
Identifiers: ClinVar variation 1482939 (VCV001482939.33), dbSNP rs1445536352, ClinGen allele CA402243523.

ClinVar aggregate classification (germline): Uncertain significance. Review status: criteria provided, multiple submitters, no conflicts (2 of 4 stars). 4 submissions from 4 submitters: Uncertain significance (4). Last evaluated 2025-09-10.

Conditions:
Inborn genetic diseases. Identifiers: MedGen C0950123, MeSH D030342.

Allele frequency attached by ClinVar (database versions not stated): gnomAD exomes below 0.00001; TOPMed below 0.00001; gnomAD 0.00001.
gnomAD v4.1: 4 of 1,613,814 alleles (0.00025%); highest among the groups gnomAD compares: Non-Finnish European, 0.00034%; no homozygotes.

Submissions (4):

Mayo Clinic Laboratories, Mayo Clinic
Classification: Uncertain significance. Last evaluated: 2025-09-10. Review status: criteria provided, single submitter. Criteria: ACMG Guidelines, 2015. Collection method: clinical testing. Allele origin: germline. Observed: 1 variant allele.
Comment: BP4_moderate, PM2_supporting

Labcorp Genetics (formerly Invitae), Labcorp
Classification: Uncertain significance. Last evaluated: 2025-09-04. Review status: criteria provided, single submitter. Criteria: Invitae Variant Classification Sherloc (09022015). Collection method: clinical testing. Allele origin: germline.
Comment: This sequence change replaces asparagine, which is neutral and polar, with serine, which is neutral and polar, at codon 213 of the CDH2 protein (p.Asn213Ser). This variant is present in population databases (no rsID available, gnomAD 0.0009%). This variant has not been reported in the literature in individuals affected with CDH2-related conditions. ClinVar contains an entry for this variant (Variation ID: 1482939). An algorithm developed to predict the effect of missense changes on protein structure and function (PolyPhen-2) suggests that this variant is likely to be tolerated. In summary, the available evidence is currently insufficient to determine the role of this variant in disease. Therefore, it has been classified as a Variant of Uncertain Significance.

Ambry Genetics
Classification: Uncertain significance for Inborn genetic diseases. Last evaluated: 2022-11-27. Review status: criteria provided, single submitter. Criteria: Ambry Variant Classification Scheme 2023. Collection method: clinical testing. Allele origin: germline.
Comment: The p.N213S variant (also known as c.638A>G), located in coding exon 5 of the CDH2 gene, results from an A to G substitution at nucleotide position 638. The asparagine at codon 213 is replaced by serine, an amino acid with highly similar properties. This amino acid position is conserved. In addition, this alteration is predicted to be tolerated by in silico analysis. Since supporting evidence is limited at this time, the clinical significance of this alteration remains unclear.

CeGaT Center for Human Genetics Tuebingen
Classification: Uncertain significance. Last evaluated: 2022-03-01. Review status: criteria provided, single submitter. Criteria: CeGaT Center For Human Genetics Tuebingen Variant Classification Criteria Version 2. Collection method: clinical testing. Allele origin: germline. Affected: yes. Observed: 1 variant allele.